The following is an entry in ClinVar:

ClinVar aggregate classification (germline): Uncertain significance. Review status: criteria provided, multiple submitters, no conflicts (2 of 4 stars). 2 submissions from 2 submitters: Uncertain significance (2). Last evaluated 2025-07-15.

Conditions:
Inborn genetic diseases. Identifiers: MedGen C0950123, MeSH D030342.
Joubert syndrome. Also called: CEREBELLOPARENCHYMAL DISORDER IV; JOUBERT-BOLTSHAUSER SYNDROME; Familial aplasia of the vermis. Identifiers: Orphanet 475, MedGen C5979921, MONDO:0018772.

Allele frequency attached by ClinVar (database versions not stated): ExAC 0.00001; gnomAD exomes below 0.00001; TOPMed below 0.00001.
gnomAD v4.1: 1 of 1,613,948 alleles (0.000062%); highest among the groups gnomAD compares: Admixed American, 0.0017%; no homozygotes.

Submissions (2):

Ambry Genetics
Classification: Uncertain significance for Inborn genetic diseases. Last evaluated: 2025-07-15. Review status: criteria provided, single submitter. Criteria: Ambry Variant Classification Scheme 2023. Collection method: clinical testing. Allele origin: germline.

Labcorp Genetics (formerly Invitae), Labcorp
Classification: Uncertain significance for Joubert syndrome. Last evaluated: 2021-08-18. Review status: criteria provided, single submitter. Criteria: Invitae Variant Classification Sherloc (09022015). Collection method: clinical testing. Allele origin: germline.
Comment: This sequence change replaces glutamic acid with lysine at codon 175 of the AHI1 protein (p.Glu175Lys). The glutamic acid residue is moderately conserved and there is a small physicochemical difference between glutamic acid and lysine. This variant is present in population databases (rs751749918, ExAC 0.01%). This variant has not been reported in the literature in individuals affected with AHI1-related conditions. Advanced modeling of protein sequence and biophysical properties (such as structural, functional, and spatial information, amino acid conservation, physicochemical variation, residue mobility, and thermodynamic stability) performed at Invitae indicates that this missense variant is not expected to disrupt AHI1 protein function. In summary, the available evidence is currently insufficient to determine the role of this variant in disease. Therefore, it has been classified as a Variant of Uncertain Significance.

NM_001134831.2(AHI1):c.523G>A (p.Glu175Lys)

Gene: AHI1 (Abelson helper integration site 1; minus strand). Cytogenetic location: 6q23.3.
Variant type: single nucleotide variant.
Coding change: c.523G>A on transcript NM_001134831.2 (MANE Select); coding-DNA position 523, G replaced by A.
Protein change: p.Glu175Lys; replaces glutamic acid 175 with lysine.
Molecular consequence: missense variant.
Genome position (GRCh38, 1-based): chr6:135,466,040, C>T on the plus strand (G>A on the coding strand, the complement: AHI1 is on the minus strand). VCF-style: chr6-135466040-C-T. GRCh37 (hg19) VCF-style: chr6-135787178-C-T.
Other names: c.523G>A (NM_017651.4); c.523G>A, p.Glu175Lys (NM_001134830.2, NM_001134832.2, NM_001350503.2 and 2 more transcripts); short protein forms E175K.
Identifiers: ClinVar variation 1462512 (VCV001462512.4), dbSNP rs751749918, ClinGen allele CA4012814.
Genomic context (GRCh38, chr6:135,466,040, plus strand): 5'-GGCACTGATATGCTTGCATCAATTCTTCATCCTCTTCTAAATCAGTCTCTTCTCTTCCCT[C>T]ATTTGCCTTCTCACTTTTCTGATGATCAACGCCTGGCTGTGGCTTTGTATGTGTTTTCTG-3'
Protein context (NP_001128303.1, residues 165-185): VDHQKSEKAN[Glu175Lys]GREETDLEED